The following is an entry in ClinVar:

NM_001267550.2(TTN):c.100148T>C (p.Val33383Ala)

Genes: TTN (titin; minus strand), TTN-AS1 (TTN antisense RNA 1; plus strand), LOC126806420 (BRD4-independent group 4 enhancer GRCh37_chr2:179401104-179402303; plus strand). Cytogenetic location: 2q31.2.
Variant type: single nucleotide variant.
Coding change: c.100148T>C on transcript NM_001267550.2 (MANE Select); coding-DNA position 100148, T replaced by C.
Protein change: p.Val33383Ala; replaces valine 33383 with alanine.
Molecular consequence: missense variant.
Genome position (GRCh38, 1-based): chr2:178,536,961, A>G on the plus strand (T>C on the coding strand, the complement: TTN is on the minus strand). VCF-style: chr2-178536961-A-G. GRCh37 (hg19) VCF-style: chr2-179401688-A-G.
Other names: c.95225T>C, p.Val31742Ala (NM_001256850.1); c.72953T>C, p.Val24318Ala (NM_003319.4); c.92444T>C, p.Val30815Ala (NM_133378.4); c.73328T>C, p.Val24443Ala (NM_133432.3); c.73529T>C, p.Val24510Ala (NM_133437.4); short protein forms V31742A, V24318A, V24510A, V33383A, V24443A, V30815A.
Identifiers: ClinVar variation 5001672 (VCV005001672.1).

ClinVar aggregate classification (germline): Uncertain significance (1 of 4 stars; one submission).

Conditions:
TTN-related disorder. Also called: TTN-related disorders; TTN-related condition; TTN-related disease.

gnomAD v4.1: 2 of 1,612,950 alleles (0.00012%); no homozygotes.

Submission:

PreventionGenetics, part of Exact Sciences
Classification: Uncertain significance for TTN-related condition. Last evaluated: 2025-07-15. Review status: criteria provided, single submitter. Criteria: ACMG Guidelines, 2015. Collection method: clinical testing. Allele origin: germline.
Comment: The TTN c.100148T>C variant is predicted to result in the amino acid substitution p.Val33383Ala. To our knowledge, this variant has not been reported in the literature or in a large population database (gnomAD), indicating this variant is rare. At this time, the clinical significance of this variant is uncertain due to the absence of conclusive functional and genetic evidence.